The following is an entry in ClinVar:

NM_000440.3(PDE6A):c.763A>G (p.Ile255Val)

Gene: PDE6A (phosphodiesterase 6A; minus strand). Cytogenetic location: 5q32.
Variant type: single nucleotide variant.
Coding change: c.763A>G on transcript NM_000440.3 (MANE Select); coding-DNA position 763, A replaced by G.
Protein change: p.Ile255Val; replaces isoleucine 255 with valine.
Molecular consequence: missense variant.
Genome position (GRCh38, 1-based): chr5:149,931,123, T>C on the plus strand (A>G on the coding strand, the complement: PDE6A is on the minus strand). VCF-style: chr5-149931123-T-C. GRCh37 (hg19) VCF-style: chr5-149310686-T-C.
Other names: short protein forms I255V.
Identifiers: ClinVar variation 1063011 (VCV001063011.10), dbSNP rs757371264, ClinGen allele CA3504952.

ClinVar aggregate classification (germline): Uncertain significance. Review status: criteria provided, multiple submitters, no conflicts (2 of 4 stars). 2 submissions from 2 submitters: Uncertain significance (2). Last evaluated 2024-10-16.

Allele frequency attached by ClinVar (database versions not stated): ExAC 0.00001; gnomAD exomes 0.00001; gnomAD 0.00002; TOPMed 0.00002.
gnomAD v4.1: 14 of 1,614,036 alleles (0.00087%); highest among the groups gnomAD compares: African/African-American, 0.0027%; no homozygotes.

Submissions (2):

Blueprint Genetics
Classification: Uncertain significance. Last evaluated: 2024-10-16. Review status: criteria provided, single submitter. Criteria: ACMG Guidelines, 2015. Collection method: clinical testing. Allele origin: germline.

Labcorp Genetics (formerly Invitae), Labcorp
Classification: Uncertain significance. Last evaluated: 2022-08-16. Review status: criteria provided, single submitter. Criteria: Invitae Variant Classification Sherloc (09022015). Collection method: clinical testing. Allele origin: germline.
Comment: This variant is present in population databases (rs757371264, gnomAD 0.004%). Algorithms developed to predict the effect of missense changes on protein structure and function are either unavailable or do not agree on the potential impact of this missense change (SIFT: "Tolerated"; PolyPhen-2: "Probably Damaging"; Align-GVGD: "Class C15"). ClinVar contains an entry for this variant (Variation ID: 1063011). This variant has not been reported in the literature in individuals affected with PDE6A-related conditions. This sequence change replaces isoleucine, which is neutral and non-polar, with valine, which is neutral and non-polar, at codon 255 of the PDE6A protein (p.Ile255Val). In summary, the available evidence is currently insufficient to determine the role of this variant in disease. Therefore, it has been classified as a Variant of Uncertain Significance.